The following is an entry in ClinVar:

ClinVar aggregate classification (germline): Uncertain significance (1 of 4 stars; one submission).

gnomAD v4.1: 3 of 1,612,316 alleles (0.00019%); highest among the groups gnomAD compares: African/African-American, 0.0027%; no homozygotes.

Submission:

GeneDx
Classification: Uncertain significance. Last evaluated: 2024-04-01. Review status: criteria provided, single submitter. Criteria: GeneDx Variant Classification Process June 2021. Collection method: clinical testing. Allele origin: germline. Affected: yes.
Comment: Not observed at significant frequency in large population cohorts (gnomAD); In silico analysis supports that this missense variant does not alter protein structure/function; Has not been previously published as pathogenic or benign to our knowledge

NM_032578.4(MYPN):c.715G>C (p.Glu239Gln)

Gene: MYPN (myopalladin; plus strand). Cytogenetic location: 10q21.3.
Variant type: single nucleotide variant.
Coding change: c.715G>C on transcript NM_032578.4 (MANE Select); coding-DNA position 715, G replaced by C.
Protein change: p.Glu239Gln; replaces glutamic acid 239 with glutamine.
Molecular consequence: missense variant. On other transcripts: 5 prime UTR variant (1), non-coding transcript variant (1).
Genome position (GRCh38, 1-based): chr10:68,122,153, G>C. VCF-style: chr10-68122153-G-C. GRCh37 (hg19) VCF-style: chr10-69881910-G-C.
Other names: c.715G>C, p.Glu239Gln (NM_001256267.2); c.-408G>C (NM_001256268.2); short protein forms E239Q.
Identifiers: ClinVar variation 3371673 (VCV003371673.1).